The following is an entry in ClinVar:

NC_000001.10:g.(?_145414782)_(145416936_?)del

Gene: HJV (hemojuvelin BMP co-receptor; minus strand). Cytogenetic location: 1q21.1.
Variant type: Deletion.
Identifiers: ClinVar variation 3248094 (VCV003248094.1).

ClinVar aggregate classification (germline): Pathogenic (1 of 4 stars; one submission).

Submission:

Labcorp Genetics (formerly Invitae), Labcorp
Classification: Pathogenic. Last evaluated: 2024-01-03. Review status: criteria provided, single submitter. Criteria: Invitae Variant Classification Sherloc (09022015). Collection method: clinical testing. Allele origin: unknown.
Comment: A gross deletion of the genomic region encompassing the full coding sequence of the HJV gene has been identified. Loss-of-function variants in HJV are known to be pathogenic (PMID: 20301349, 22408404). The boundaries of this event are unknown as they extend beyond the assayed region for this gene and therefore may encompass additional genes. This variant has not been reported in the literature in individuals affected with HJV-related conditions. For these reasons, this variant has been classified as Pathogenic.

Literature cited by the submitters: PubMed 20301349; PubMed 22408404.